The following is an entry in ClinVar:

ClinVar aggregate classification (germline): Benign/Likely benign. Review status: criteria provided, multiple submitters, no conflicts (2 of 4 stars). 2 submissions from 2 submitters: Benign (1); Likely benign (1). Last evaluated 2018-01-12.

Conditions:
Hypertrophic cardiomyopathy 8. Also called: CARDIOMYOPATHY, HYPERTROPHIC, MID-LEFT VENTRICULAR CHAMBER TYPE, 1; MYL3-Related Familial Hypertrophic Cardiomyopathy. Identifiers: MedGen C1837471, MONDO:0012111, OMIM 608751.

Allele frequency attached by ClinVar (database versions not stated): TOPMed 0.00009; gnomAD 0.00040 and 0.00004; 1000 Genomes Project 30x 0.00281; 1000 Genomes Project 0.00319.
gnomAD v4.1: 940 of 1,426,524 alleles (0.066%); highest among the groups gnomAD compares: South Asian, 1%; 14 homozygotes.

Submissions (2):

Illumina Laboratory Services, Illumina
Classification: Likely benign for Hypertrophic cardiomyopathy 8. Last evaluated: 2018-01-12. Review status: criteria provided, single submitter. Criteria: ICSL Variant Classification Criteria 13 December 2019. Collection method: clinical testing. Allele origin: germline.
Comment: This variant was observed in the ICSL laboratory as part of a predisposition screen in an ostensibly healthy population. It had not been previously curated by ICSL or reported in the Human Gene Mutation Database (HGMD: prior to June 1st, 2018), and was therefore a candidate for classification through an automated scoring system. Utilizing variant allele frequency, disease prevalence and penetrance estimates, and inheritance mode, an automated score was calculated to assess if this variant is too frequent to cause the disease. Based on the score and internal cut-off values, a variant classified as likely benign is not then subjected to further curation. The score for this variant resulted in a classification of likely benign for this disease.

GeneDx
Classification: Benign. Last evaluated: 2015-03-03. Review status: criteria provided, single submitter. Criteria: GeneDx Variant Classification Process June 2021. Collection method: clinical testing. Allele origin: germline. Affected: yes.

NM_000258.2(MYL3):c.-90C>T

Gene: MYL3 (myosin light chain 3; minus strand). Cytogenetic location: 3p21.31.
Variant type: single nucleotide variant.
Coding change: c.-90C>T on transcript NM_000258.2; 90 bases upstream of the start codon, C replaced by T.
Molecular consequence: intron variant (on NM_001406939.1).
Genome position (GRCh38, 1-based): chr3:46,863,480, G>A on the plus strand (C>T on the coding strand, the complement: MYL3 is on the minus strand). VCF-style: chr3-46863480-G-A. GRCh37 (hg19) VCF-style: chr3-46904970-G-A.
Other names: c.-6-84C>T (NM_001406939.1, NM_001406938.1).
Identifiers: ClinVar variation 345572 (VCV000345572.9), dbSNP rs372094875, ClinGen allele CA10618989.